The following is an entry in ClinVar:

NM_024675.4(PALB2):c.1836dup (p.Gln613fs)

Gene: PALB2 (partner and localizer of BRCA2; minus strand). Cytogenetic location: 16p12.2.
Variant type: Duplication.
Coding change: c.1836dup on transcript NM_024675.4 (MANE Select); coding-DNA position 1836, one base duplicated (T; older notation c.1836dupT).
Protein change: p.Gln613fs; shifts the reading frame from glutamine 613.
Molecular consequence: frameshift variant.
Genome position (GRCh38, 1-based): chr16:23,630,318, A duplicated on the plus strand (T on the coding strand, the reverse complement: PALB2 is on the minus strand); the first of 3 consecutive A bases (chr16:23,630,318-23,630,320); duplicating any one gives the same sequence. VCF-style (leftmost placement, unchanged base first): chr16-23630317-G-GA. GRCh37 (hg19) VCF-style: chr16-23641638-G-GA.
Other names: c.1774dup, p.Gln593Serfs (NM_001407296.1); c.1834dup, p.Gln613Serfs (NM_001407297.1, NM_001407298.1, NM_001407299.1 and 3 more transcripts); c.949dup, p.Gln318Serfs (NM_001407304.1, NM_001407305.1, NM_001407306.1 and 5 more transcripts); c.46dup, p.Gln17Serfs (NM_001407312.1, NM_001407313.1); c.1836dupT (NM_024675.3); short protein forms Q613fs.
Identifiers: ClinVar variation 1781047 (VCV001781047.2), dbSNP rs2506434602, ClinGen allele CA2580091391.

ClinVar aggregate classification (germline): Pathogenic (1 of 4 stars; one submission).

Conditions:
Hereditary cancer-predisposing syndrome. Also called: Neoplastic Syndromes, Hereditary; Tumor predisposition; Hereditary Cancer Syndrome; Hereditary neoplastic syndrome. Identifiers: Orphanet 140162, MedGen C0027672, MeSH D009386, MONDO:0015356.

Submission:

Ambry Genetics
Classification: Pathogenic for Hereditary cancer-predisposing syndrome. Last evaluated: 2022-09-19. Review status: criteria provided, single submitter. Criteria: Ambry Variant Classification Scheme 2023. Collection method: clinical testing. Allele origin: germline.
Comment: The c.1836dupT pathogenic mutation, located in coding exon 5 of the PALB2 gene, results from a duplication of T at nucleotide position 1836, causing a translational frameshift with a predicted alternate stop codon (p.Q613Sfs*4). This variant is considered to be rare based on population cohorts in the Genome Aggregation Database (gnomAD). This alteration is expected to result in loss of function by premature protein truncation or nonsense-mediated mRNA decay. As such, this alteration is interpreted as a disease-causing mutation.